The following is an entry in ClinVar:

NM_001378454.1(ALMS1):c.10499C>G (p.Ser3500Cys)

Gene: ALMS1 (ALMS1 centrosome and basal body associated protein; plus strand). Cytogenetic location: 2p13.1.
Variant type: single nucleotide variant.
Coding change: c.10499C>G on transcript NM_001378454.1 (MANE Select); coding-DNA position 10499, C replaced by G.
Protein change: p.Ser3500Cys; replaces serine 3500 with cysteine.
Molecular consequence: missense variant.
Genome position (GRCh38, 1-based): chr2:73,572,376, C>G. VCF-style: chr2-73572376-C-G. GRCh37 (hg19) VCF-style: chr2-73799503-C-G.
Other names: c.10502C>G, p.Ser3501Cys (NM_015120.4); short protein forms S3501C, S3500C.
Identifiers: ClinVar variation 3287802 (VCV003287802.1).

ClinVar aggregate classification (germline): Uncertain significance (1 of 4 stars; one submission).

Conditions:
Cardiovascular phenotype. Identifiers: MedGen CN230736.

gnomAD v4.1: 1 of 1,609,088 alleles (0.000062%); highest among the groups gnomAD compares: Admixed American, 0.0017%; no homozygotes.

Submission:

Ambry Genetics
Classification: Uncertain significance for Cardiovascular phenotype. Last evaluated: 2024-05-29. Review status: criteria provided, single submitter. Criteria: Ambry Variant Classification Scheme 2023. Collection method: clinical testing. Allele origin: germline.
Comment: The p.S3501C variant (also known as c.10502C>G), located in coding exon 16 of the ALMS1 gene, results from a C to G substitution at nucleotide position 10502. The serine at codon 3501 is replaced by cysteine, an amino acid with dissimilar properties. This amino acid position is well conserved in available vertebrate species. In addition, the in silico prediction for this alteration is inconclusive. Based on the available evidence, the clinical significance of this variant remains unclear.